The following is an entry in ClinVar:

ClinVar aggregate classification (germline): Pathogenic (1 of 4 stars; one submission).

Submission:

Labcorp Genetics (formerly Invitae), Labcorp
Classification: Pathogenic. Last evaluated: 2023-07-17. Review status: criteria provided, single submitter. Criteria: Invitae Variant Classification Sherloc (09022015). Collection method: clinical testing. Allele origin: germline.
Comment: For these reasons, this variant has been classified as Pathogenic. This variant disrupts a region of the CRLF1 protein in which other variant(s) (p.Trp76Gly) have been determined to be pathogenic (PMID: 17436252, 21326283). This suggests that this is a clinically significant region of the protein, and that variants that disrupt it are likely to be disease-causing. This variant has not been reported in the literature in individuals affected with CRLF1-related conditions. This variant is a gross deletion of the genomic region encompassing exon(s) 2-4 of the CRLF1 gene. This variant would be expected to be in-frame, preserving the integrity of the reading frame.

Literature cited by the submitters: PubMed 17436252; PubMed 21326283.

NC_000019.9:g.(?_18709222)_(18710676_?)del

Gene: CRLF1 (cytokine receptor like factor 1; minus strand). Cytogenetic location: 19p13.11.
Variant type: Deletion.
Identifiers: ClinVar variation 2425223 (VCV002425223.4).